The following is an entry in ClinVar:

NM_000352.6(ABCC8):c.2858A>G (p.Gln953Arg)

Gene: ABCC8 (ATP binding cassette subfamily C member 8; minus strand). Cytogenetic location: 11p15.1.
Variant type: single nucleotide variant.
Coding change: c.2858A>G on transcript NM_000352.6 (MANE Select); coding-DNA position 2858, A replaced by G.
Protein change: p.Gln953Arg; replaces glutamine 953 with arginine.
Molecular consequence: missense variant. On other transcripts: non-coding transcript variant (1).
Genome position (GRCh38, 1-based): chr11:17,407,416, T>C on the plus strand (A>G on the coding strand, the complement: ABCC8 is on the minus strand). VCF-style: chr11-17407416-T-C. GRCh37 (hg19) VCF-style: chr11-17428963-T-C.
Other names: c.2861A>G, p.Gln954Arg (NM_001287174.3); c.2924A>G, p.Gln975Arg (NM_001351295.2); c.2858A>G, p.Gln953Arg (NM_001351296.2); c.2855A>G, p.Gln952Arg (NM_001351297.2); c.2858A>G (NM_000352.4); short protein forms Q952R, Q953R, Q954R, Q975R.
Identifiers: ClinVar variation 1687730 (VCV001687730.2), dbSNP rs761960758, ClinGen allele CA379804727.

ClinVar aggregate classification (germline): Uncertain significance. Review status: criteria provided, multiple submitters, no conflicts (2 of 4 stars). 3 submissions from 2 submitters: Uncertain significance (3). Last evaluated 2026-03-04.

Conditions:
Maturity-onset diabetes of the young (MODY). Also called: Maturity onset diabetes mellitus in young. Identifiers: Orphanet 552, MedGen C0342276, MONDO:0018911, HP:0004904.
Transitory neonatal diabetes mellitus. Also called: Transient neonatal diabetes mellitus. Identifiers: MedGen C0342273, MONDO:0020525, HP:0008255.
ABCC8-related disorder.

Allele frequency attached by ClinVar (database versions not stated): gnomAD exomes below 0.00001; TOPMed 0.00002.
gnomAD v4.1: 3 of 1,614,022 alleles (0.00019%); highest among the groups gnomAD compares: African/African-American, 0.004%; no homozygotes.

Submissions (3):

PreventionGenetics, part of Exact Sciences
Classification: Uncertain significance for ABCC8-related condition. Last evaluated: 2026-03-04. Review status: criteria provided, single submitter. Criteria: ACMG Guidelines, 2015. Collection method: clinical testing. Allele origin: germline.
Comment: The ABCC8 c.2858A>G variant is predicted to result in the amino acid substitution p.Gln953Arg. To our knowledge, this variant has not been reported in the literature. This variant is reported in 0.0062% of alleles in individuals of African descent in gnomAD. At this time, the clinical significance of this variant is uncertain due to the absence of conclusive functional and genetic evidence.

Clinical Genomics, Uppaluri K&H Personalized Medicine Clinic
Classification: Uncertain significance for Maturity-onset diabetes of the young. Review status: criteria provided, single submitter. Criteria: K & H Uppaluri Personalized Medicine Clinic Variant Classification & Assertion Criteria_Updated V.1. Collection method: research. Allele origin: unknown. Inheritance: Somatic mutation.
Comment: Mutations in ABCC8 gene are associated with both neonatal diabetes mellitus as well as MODY. Patients with this mutation may have a better response to sulfonylureas. However, no sufficient evidence is found to ascertain the role of this particular variant ( rs761960758) in MODY yet.

Clinical Genomics, Uppaluri K&H Personalized Medicine Clinic
Classification: Uncertain significance for Transitory neonatal diabetes mellitus. Review status: criteria provided, single submitter. Criteria: K & H Uppaluri Personalized Medicine Clinic Variant Classification & Assertion Criteria_Updated V.1. Collection method: research. Allele origin: unknown. Inheritance: Somatic mutation.
Comment: Mutations in ABCC8 gene are associated with both neonatal diabetes mellitus as well as MODY. Patients with this mutation may have a better response to sulfonylureas. However, no sufficient evidence is found to ascertain the role of this particular variant ( rs761960758) in neonatal diabetes yet.

Literature cited by the submitters: PubMed 16885549 (cited by Clinical Genomics, Uppaluri K&H Personalized Medicine Clinic); PubMed 21989597 (cited by Clinical Genomics, Uppaluri K&H Personalized Medicine Clinic); PubMed 27538677 (cited by Clinical Genomics, Uppaluri K&H Personalized Medicine Clinic); PubMed 18981553 (cited by Clinical Genomics, Uppaluri K&H Personalized Medicine Clinic); PubMed 32027066 (cited by Clinical Genomics, Uppaluri K&H Personalized Medicine Clinic); PubMed 16613899 (cited by Clinical Genomics, Uppaluri K&H Personalized Medicine Clinic); PubMed 18025408 (cited by Clinical Genomics, Uppaluri K&H Personalized Medicine Clinic); PubMed 32792356 (cited by Clinical Genomics, Uppaluri K&H Personalized Medicine Clinic).